The following is an entry in ClinVar:

NM_001374736.1(DST):c.17831C>T (p.Thr5944Ile)

Gene: DST (dystonin; minus strand). Cytogenetic location: 6p12.1.
Variant type: single nucleotide variant.
Coding change: c.17831C>T on transcript NM_001374736.1 (MANE Select); coding-DNA position 17831, C replaced by T.
Protein change: p.Thr5944Ile; replaces threonine 5944 with isoleucine.
Molecular consequence: missense variant.
Genome position (GRCh38, 1-based): chr6:56,527,584, G>A on the plus strand (C>T on the coding strand, the complement: DST is on the minus strand). VCF-style: chr6-56527584-G-A. GRCh37 (hg19) VCF-style: chr6-56392382-G-A.
Other names: c.11474C>T, p.Thr3825Ile (NM_001144769.5); c.11060C>T, p.Thr3687Ile (NM_001144770.2); c.17831C>T, p.Thr5944Ile (NM_001374722.1); c.16871C>T, p.Thr5624Ile (NM_001374729.1); c.10613C>T, p.Thr3538Ile (NM_001374730.1); c.17858C>T, p.Thr5953Ile (NM_001374734.1); c.10940C>T, p.Thr3647Ile (NM_001386100.1, NM_183380.4); c.9962C>T, p.Thr3321Ile (NM_015548.5); short protein forms T3647I, T3538I, T3687I, T3825I, T5624I, T5944I, T3321I, T5953I.
Identifiers: ClinVar variation 1503054 (VCV001503054.6), dbSNP rs2152508136, ClinGen allele CA364506232.

ClinVar aggregate classification (germline): Uncertain significance (1 of 4 stars; one submission).

Conditions:
Hereditary sensory and autonomic neuropathy type 6. Also called: Neuropathy, hereditary sensory and autonomic, type VI; HSAN VI. Identifiers: Orphanet 314381, MedGen C3539003, MONDO:0013839, OMIM 614653.
Epidermolysis bullosa simplex 3, localized or generalized intermediate, with BP230 deficiency (EBS3). Also called: Epidermolysis bullosa simplex due to BP230 deficiency; Epidermolysis bullosa simplex, autosomal recessive 2. Identifiers: Orphanet 412181, MedGen C3809470, MONDO:0014180, OMIM 615425.

gnomAD v4.1: 1 of 1,613,836 alleles (0.000062%); highest among the groups gnomAD compares: Non-Finnish European, 0.000085%; no homozygotes.

Submission:

Labcorp Genetics (formerly Invitae), Labcorp
Classification: Uncertain significance for Epidermolysis bullosa simplex 3, localized or generalized intermediate, with BP230 deficiency; Hereditary sensory and autonomic neuropathy type 6. Last evaluated: 2021-01-19. Review status: criteria provided, single submitter. Criteria: Invitae Variant Classification Sherloc (09022015). Collection method: clinical testing. Allele origin: germline.
Comment: This variant has not been reported in the literature in individuals with DST-related conditions. Experimental studies and prediction algorithms are not available or were not evaluated, and the functional significance of this variant is currently unknown. In summary, the available evidence is currently insufficient to determine the role of this variant in disease. Therefore, it has been classified as a Variant of Uncertain Significance. This variant is not present in population databases (ExAC no frequency). This sequence change replaces threonine with isoleucine at codon 3321 of the DST protein (p.Thr3321Ile). The DST gene has multiple clinically relevant transcripts. This variant occurs in alternate transcript NM_015548.4, and corresponds to NM_001723.5:c.*87933C>T in the primary transcript.